The following is an entry in ClinVar:

NM_001009944.3(PKD1):c.6665C>T (p.Ala2222Val)

Gene: PKD1 (polycystin 1, transient receptor potential channel interacting; minus strand). Cytogenetic location: 16p13.3.
Variant type: single nucleotide variant.
Coding change: c.6665C>T on transcript NM_001009944.3 (MANE Select); coding-DNA position 6665, C replaced by T.
Protein change: p.Ala2222Val; replaces alanine 2222 with valine.
Molecular consequence: missense variant.
Genome position (GRCh38, 1-based): chr16:2,108,502, G>A on the plus strand (C>T on the coding strand, the complement: PKD1 is on the minus strand). VCF-style: chr16-2108502-G-A. GRCh37 (hg19) VCF-style: chr16-2158503-G-A.
Other names: p.Ala2222Val; c.6665C>T (NM_001009944.2); c.6665C>T, p.Ala2222Val (NM_000296.4); short protein forms A2222V.
Identifiers: ClinVar variation 447995 (VCV000447995.46), dbSNP rs148496347, ClinGen allele CA7831508.

ClinVar aggregate classification (germline): Conflicting classifications of pathogenicity. Review status: criteria provided, conflicting classifications (1 of 4 stars). 13 submissions from 13 submitters: Uncertain significance (2); Benign (1); Likely benign (6). 4 of the submissions do not count toward it. Last evaluated 2026-02-20.

Conditions:
PKD1-related disorder. Also called: PKD1-related condition.
Polycystic kidney disease. Also called: Kidney, Polycystic; Polycystic kidney dysplasia. Identifiers: MedGen C0022680, MeSH D007690, MONDO:0020642, HP:0000113.
Inborn genetic diseases. Identifiers: MedGen C0950123, MeSH D030342.
Polycystic kidney disease, adult type (PKD1). Also called: Polycystic Kidney Disease 1, Autosomal Dominant; Polycystic kidney disease 1; Polycystic kidney disease 1, severe; POLYCYSTIC KIDNEY DISEASE 1 WITH OR WITHOUT POLYCYSTIC LIVER DISEASE; Polycystic Kidney, Autosomal Dominant; POLYCYSTIC KIDNEY DISEASE, ADULT, TYPE I. Identifiers: MedGen C3149841, MONDO:0008263, OMIM 173900.

Allele frequency attached by ClinVar (database versions not stated): ExAC 0.00046; TOPMed 0.00074; 1000 Genomes Project 0.00080; gnomAD 0.00089 and 0.00091; 1000 Genomes Project 30x 0.00094; ESP Exome Variant Server 0.00109.
gnomAD v4.1: 2,178 of 1,608,720 alleles (0.14%); highest among the groups gnomAD compares: Non-Finnish European, 0.18%; 2 homozygotes.

Submissions (13):

Women's Health and Genetics/Laboratory Corporation of America, LabCorp
Classification: Uncertain significance. Last evaluated: 2026-02-20. Review status: criteria provided, single submitter. Criteria: LabCorp Variant Classification Summary - May 2015. Collection method: clinical testing. Allele origin: germline.
Comment: Variant summary: PKD1 c.6665C>T (p.Ala2222Val) results in a non-conservative amino acid change in the encoded protein sequence. Algorithms developed to predict the effect of missense changes on protein structure and function are either unavailable or do not agree on the potential impact of this missense change. The variant allele was found at a frequency of 0.00066 in 238062 control chromosomes, predominantly at a frequency of 0.0013 within the Non-Finnish European subpopulation in the gnomAD database. This frequency is not significantly higher than estimated for disease-causing variants in PKD1, allowing no conclusion about variant significance. To our knowledge, no occurrence of c.6665C>T in individuals affected with PKD1-related conditions and no experimental evidence demonstrating its impact on protein function have been reported. ClinVar contains an entry for this variant (Variation ID: 447995). Based on the evidence outlined above, the variant was classified as uncertain significance.

CeGaT Center for Human Genetics Tuebingen
Classification: Likely benign. Last evaluated: 2025-07-01. Review status: criteria provided, single submitter. Criteria: CeGaT Center For Human Genetics Tuebingen Variant Classification Criteria Version 2. Collection method: clinical testing. Allele origin: germline. Affected: yes. Observed: 7 variant alleles.
Comment: PKD1: BP4

Laboratory of Genetics, Children's Clinical University Hospital Latvia
Classification: Likely benign. Last evaluated: 2025-02-16. Review status: criteria provided, single submitter. Criteria: ACMG Guidelines, 2015. Collection method: clinical testing. Allele origin: germline. Affected: yes.

Mayo Clinic Laboratories, Mayo Clinic
Classification: Likely benign. Last evaluated: 2024-11-27. Review status: criteria provided, single submitter. Criteria: ACMG Guidelines, 2015. Collection method: clinical testing. Allele origin: germline. Observed: 4 variant alleles.
Comment: BS1, BP4

Blueprint Genetics
Classification: Likely benign. Last evaluated: 2024-10-09. Review status: criteria provided, single submitter. Criteria: ACMG Guidelines, 2015. Collection method: clinical testing. Allele origin: germline.

Fulgent Genetics
Classification: Likely benign for Polycystic kidney disease, adult type. Last evaluated: 2021-11-01. Review status: criteria provided, single submitter. Criteria: ACMG Guidelines, 2015. Collection method: clinical testing. Allele origin: unknown.

Ambry Genetics
Classification: Uncertain significance for Inborn genetic diseases. Last evaluated: 2021-06-11. Review status: criteria provided, single submitter. Criteria: Ambry Variant Classification Scheme 2023. Collection method: clinical testing. Allele origin: germline.

Athena Diagnostics
Classification: Benign. Last evaluated: 2020-10-28. Review status: criteria provided, single submitter. Criteria: Athena Diagnostics criteria. Collection method: clinical testing. Allele origin: unknown.

ARUP Laboratories, Molecular Genetics and Genomics, ARUP Laboratories
Classification: Likely benign for Polycystic kidney disease, adult type. Last evaluated: 2019-09-06. Review status: criteria provided, single submitter. Criteria: ARUP Molecular Germline Variant Investigation Process. Collection method: clinical testing. Allele origin: germline.

PreventionGenetics, part of Exact Sciences
Classification: Likely benign for PKD1-related condition. Last evaluated: 2019-12-26. Review status: no assertion criteria provided. Collection method: clinical testing. Allele origin: germline. Not counted in ClinVar's aggregate classification.
Comment: This variant is classified as likely benign based on ACMG/AMP sequence variant interpretation guidelines (Richards et al. 2015 PMID: 25741868, with internal and published modifications).

Clinical Genetics DNA and cytogenetics Diagnostics Lab, Erasmus MC, Erasmus Medical Center
Classification: Likely benign. Review status: no assertion criteria provided. Collection method: clinical testing. Allele origin: germline. Affected: yes. Study: VKGL Data-share Consensus. Not counted in ClinVar's aggregate classification.

Department of Pathology and Laboratory Medicine, Sinai Health System
Classification: Likely benign for Polycystic Kidney disease. Review status: no assertion criteria provided. Collection method: clinical testing. Allele origin: unknown. Affected: yes. Study: The Canadian Open Genetics Repository (COGR). Not counted in ClinVar's aggregate classification.
Comment: The PKD1, p.Ala2222Val variant was not identified in the literature nor was it identified in the Clinvitae, ClinVar, GeneInsight COGR, PKD1-LOVD and PKD1-LOVD 3.0 databases. The variant was identified in dbSNP (ID: rs148496347) as â€šÃ„ÃºNAâ€šÃ„Ã¹, ADPKD Mutation Database (classified as likely neutral), the 1000 Genomes Project in 4 of 5000 chromosomes (frequency: 0.0008), the NHLBI GO Exome Sequencing Project in 14 of 8480 European American alleles, the Exome Aggregation Consortium database (March 14, 2016) in 49 of 106856 chromosomes (freq. 0.0005) in the following populations: European in 48 of 57726 chromosomes (freq. 0.0008), African in 1 of 7870 chromosomes (freq. 0.0001), but was not seen in Asian, Finish, Latino and Other populations, increasing the likelihood that this may be a low frequency benign variant in certain populations of origin. In addition we cannot be certain that data from control databases is specific to PKD1 and not from one of the six PKD1 pseudogenes. The p.Ala2222 residue is conserved across mammals and other organisms, however computational analyses (PolyPhen-2, SIFT, AlignGVGD, BLOSUM, MutationTaster) do not suggest that the variant may impact the protein; this information is not predictive enough to assume pathogenicity. The variant occurs outside of the splicing consensus sequence and 2 of 5 in silico or computational prediction software programs (SpliceSiteFinder, MaxEntScan, NNSPLICE, GeneSplicer, HumanSpliceFinder) predict a greater than 10% difference in splicing; this is not very predictive of pathogenicity. In summary, based on the above information, the clinical significance of this variant cannot be determined with certainty at this time although we would lean towards a more benign role for this variant. This variant is classified as likely benign.

Genome Diagnostics Laboratory, University Medical Center Utrecht
Classification: Benign. Review status: no assertion criteria provided. Collection method: clinical testing. Allele origin: germline. Affected: yes. Study: VKGL Data-share Consensus. Not counted in ClinVar's aggregate classification.